The following is an entry in ClinVar:

ClinVar aggregate classification (germline): Uncertain significance (1 of 4 stars; one submission).

Submission:

GeneDx
Classification: Uncertain significance. Last evaluated: 2023-06-06. Review status: criteria provided, single submitter. Criteria: GeneDx Variant Classification Process June 2021. Collection method: clinical testing. Allele origin: germline. Affected: yes.
Comment: Not observed at significant frequency in large population cohorts (gnomAD); In silico analysis supports that this missense variant has a deleterious effect on protein structure/function; Has not been previously published as pathogenic or benign to our knowledge

NM_006785.4(MALT1):c.1240G>A (p.Gly414Arg)

Gene: MALT1 (MALT1 paracaspase; plus strand). Cytogenetic location: 18q21.32.
Variant type: single nucleotide variant.
Coding change: c.1240G>A on transcript NM_006785.4 (MANE Select); coding-DNA position 1240, G replaced by A.
Protein change: p.Gly414Arg; replaces glycine 414 with arginine.
Molecular consequence: missense variant.
Genome position (GRCh38, 1-based): chr18:58,733,414, G>A. VCF-style: chr18-58733414-G-A. GRCh37 (hg19) VCF-style: chr18-56400646-G-A.
Other names: c.1207G>A, p.Gly403Arg (NM_173844.3); short protein forms G403R, G414R.
Identifiers: ClinVar variation 2504927 (VCV002504927.1), dbSNP rs2511552926, ClinGen allele CA402574482.